The following is an entry in ClinVar:

NM_022464.5(SIL1):c.1321G>A (p.Glu441Lys)

Gene: SIL1 (SIL1 nucleotide exchange factor; minus strand). Cytogenetic location: 5q31.2.
Variant type: single nucleotide variant.
Coding change: c.1321G>A on transcript NM_022464.5 (MANE Select); coding-DNA position 1321, G replaced by A.
Protein change: p.Glu441Lys; replaces glutamic acid 441 with lysine.
Molecular consequence: missense variant.
Genome position (GRCh38, 1-based): chr5:138,947,182, C>T on the plus strand (G>A on the coding strand, the complement: SIL1 is on the minus strand). VCF-style: chr5-138947182-C-T. GRCh37 (hg19) VCF-style: chr5-138282871-C-T.
Other names: c.1321G>A, p.Glu441Lys (NM_001037633.2); short protein forms E441K.
Identifiers: ClinVar variation 351074 (VCV000351074.44), dbSNP rs779649580, ClinGen allele CA3432326.

ClinVar aggregate classification (germline): Uncertain significance. Review status: criteria provided, multiple submitters, no conflicts (2 of 4 stars). 5 submissions from 5 submitters: Uncertain significance (5). Last evaluated 2024-01-17.

Conditions:
Marinesco-Sjögren syndrome (MSS). Also called: Marinesco-SjÃ¶gren syndrome; Marinesco-Sjogren Syndrome. Identifiers: Orphanet 559, MedGen C0024814, MONDO:0009567, OMIM 248800.

Allele frequency attached by ClinVar (database versions not stated): gnomAD exomes 0.00002 and 0.00003; ExAC 0.00003; gnomAD 0.00003; TOPMed 0.00005.
gnomAD v4.1: 55 of 1,613,512 alleles (0.0034%); highest among the groups gnomAD compares: Non-Finnish European, 0.004%; no homozygotes.

Submissions (5):

GeneDx
Classification: Uncertain significance. Last evaluated: 2024-01-17. Review status: criteria provided, single submitter. Criteria: GeneDx Variant Classification Process June 2021. Collection method: clinical testing. Allele origin: germline. Affected: yes.
Comment: Not observed at significant frequency in large population cohorts (gnomAD); In silico analysis supports that this missense variant does not alter protein structure/function; Has not been previously published as pathogenic or benign to our knowledge

Labcorp Genetics (formerly Invitae), Labcorp
Classification: Uncertain significance for Marinesco-Sjögren syndrome. Last evaluated: 2022-08-15. Review status: criteria provided, single submitter. Criteria: Invitae Variant Classification Sherloc (09022015). Collection method: clinical testing. Allele origin: germline.
Comment: This sequence change replaces glutamic acid, which is acidic and polar, with lysine, which is basic and polar, at codon 441 of the SIL1 protein (p.Glu441Lys). This variant is present in population databases (rs779649580, gnomAD 0.004%). This variant has not been reported in the literature in individuals affected with SIL1-related conditions. ClinVar contains an entry for this variant (Variation ID: 351074). Algorithms developed to predict the effect of missense changes on protein structure and function are either unavailable or do not agree on the potential impact of this missense change (SIFT: "Deleterious"; PolyPhen-2: "Possibly Damaging"; Align-GVGD: "Class C0"). In summary, the available evidence is currently insufficient to determine the role of this variant in disease. Therefore, it has been classified as a Variant of Uncertain Significance.

CeGaT Center for Human Genetics Tuebingen
Classification: Uncertain significance. Last evaluated: 2021-11-01. Review status: criteria provided, single submitter. Criteria: CeGaT Center For Human Genetics Tuebingen Variant Classification Criteria Version 2. Collection method: clinical testing. Allele origin: germline. Affected: yes. Observed: 1 variant allele.

Athena Diagnostics
Classification: Uncertain significance. Last evaluated: 2019-10-15. Review status: criteria provided, single submitter. Criteria: Athena Diagnostics Criteria. Collection method: clinical testing. Allele origin: unknown.

Illumina Laboratory Services, Illumina
Classification: Uncertain significance for Marinesco-Sjögren syndrome. Last evaluated: 2018-01-12. Review status: criteria provided, single submitter. Criteria: ICSL Variant Classification Criteria 13 December 2019. Collection method: clinical testing. Allele origin: germline.